The following is an entry in ClinVar:

NM_006593.4(TBR1):c.1297C>G (p.Gln433Glu)

Gene: TBR1 (T-box brain transcription factor 1; plus strand). Cytogenetic location: 2q24.2.
Variant type: single nucleotide variant.
Coding change: c.1297C>G on transcript NM_006593.4 (MANE Select); coding-DNA position 1297, C replaced by G.
Protein change: p.Gln433Glu; replaces glutamine 433 with glutamic acid.
Molecular consequence: missense variant.
Genome position (GRCh38, 1-based): chr2:161,423,475, C>G. VCF-style: chr2-161423475-C-G. GRCh37 (hg19) VCF-style: chr2-162279986-C-G.
Other names: short protein forms Q433E.
Identifiers: ClinVar variation 3369028 (VCV003369028.1).

ClinVar aggregate classification (germline): Uncertain significance (1 of 4 stars; one submission).

Submission:

GeneDx
Classification: Uncertain significance. Last evaluated: 2024-02-14. Review status: criteria provided, single submitter. Criteria: GeneDx Variant Classification Process June 2021. Collection method: clinical testing. Allele origin: germline. Affected: yes.
Comment: Not observed at significant frequency in large population cohorts (gnomAD); In silico analysis supports that this missense variant does not alter protein structure/function; Has not been previously published as pathogenic or benign to our knowledge